The following is an entry in ClinVar:

ClinVar aggregate classification (germline): Pathogenic. Review status: criteria provided, multiple submitters, no conflicts (2 of 4 stars). 6 submissions from 6 submitters: Pathogenic (4). 2 of the submissions do not count toward it. Last evaluated 2025-07-24.

Conditions:
LIPA-related disorder. Also called: LIPA-related disorders; LIPA-related condition.
Cholesteryl ester storage disease (CESD). Also called: Childhood/Adult-Onset LAL-D (Cholesterol Ester Storage Disease [CESD]). Identifiers: Orphanet 75234, MedGen C0008384, MONDO:0019149, OMIM 278000.
Wolman disease (WOLD). Also called: LYSOSOMAL ACID LIPASE DEFICIENCY, ACUTE INFANTILE; LYSOSOMAL ACID LIPASE DEFICIENCY, COMPLETE; LIPA DEFICIENCY, COMPLETE; LAL DEFICIENCY, COMPLETE; CHOLESTEROL ESTER HYDROLASE DEFICIENCY, COMPLETE; Acid cholesteryl ester hydrolase deficiency, Wolman type. Identifiers: Orphanet 75233, MedGen C0043208, MONDO:0019148, OMIM 620151.
Lysosomal acid lipase deficiency. Also called: Acid cholesteryl ester hydrolase deficiency, type 2. Identifiers: Orphanet 275761, MedGen C5574740, MONDO:0800449, MONDO:0010204.

Submissions (6):

Natera, Inc.
Classification: Pathogenic for Lysosomal acid lipase deficiency. Last evaluated: 2025-07-24. Review status: criteria provided, single submitter. Criteria: Natera Variant Classification Schema (03/2026). Collection method: clinical testing. Allele origin: germline.
Comment: The c.482delA variant in LIPA is a frameshift variant predicted to shift the reading frame beginning at codon 161 and leads to a stop codon 19 codons downstream. This variant is expected to result in nonsense mediated decay, truncation, or a dysfunctional protein product. This variant is rare in the general population with a frequency below the threshold expected for the associated phenotype(s). This variant has been observed in one or more individuals affected with the associated recessive disease, as either homozygous or compound heterozygous with a second variant (PMID: 32432142, 21963785). Additionally, this variant has been observed to segregate in affected family members (PMID: 32432142). Functional studies show that this variant may disrupt protein function (PMID: 31180157). Given the available evidence, this variant is classified as Pathogenic.

Women's Health and Genetics/Laboratory Corporation of America, LabCorp
Classification: Pathogenic for Wolman disease. Last evaluated: 2024-06-13. Review status: criteria provided, single submitter. Criteria: LabCorp Variant Classification Summary - May 2015. Collection method: clinical testing. Allele origin: germline.
Comment: Variant summary: LIPA c.482delA (p.Asn161IlefsX19) results in a premature termination codon, predicted to cause absence of the protein due to nonsense mediated decay, which is a commonly known mechanism for disease. The variant allele was found at a frequency of 2.4e-05 in 251412 control chromosomes. c.482delA has been reported in the literature in at-least one individual affected with Wolman disease (example, Lee_2011). These data do not allow any conclusion about variant significance. To our knowledge, no experimental evidence demonstrating an impact on protein function has been reported. The following publication has been ascertained in the context of this evaluation (PMID: 21963785). ClinVar contains an entry for this variant (Variation ID: 552285). Based on the evidence outlined above, the variant was classified as Pathogenic.

Labcorp Genetics (formerly Invitae), Labcorp
Classification: Pathogenic for Wolman disease. Last evaluated: 2023-06-09. Review status: criteria provided, single submitter. Criteria: Invitae Variant Classification Sherloc (09022015). Collection method: clinical testing. Allele origin: germline.
Comment: This premature translational stop signal has been observed in individual(s) with Wolman disease (PMID: 21963785). In at least one individual the data is consistent with being in trans (on the opposite chromosome) from a pathogenic variant. This variant is present in population databases (rs762559980, gnomAD 0.008%). This sequence change creates a premature translational stop signal (p.Asn161Ilefs*19) in the LIPA gene. It is expected to result in an absent or disrupted protein product. Loss-of-function variants in LIPA are known to be pathogenic (PMID: 23485521). ClinVar contains an entry for this variant (Variation ID: 552285). For these reasons, this variant has been classified as Pathogenic.

Blueprint Genetics
Classification: Pathogenic for LIPA-related disorders. Last evaluated: 2020-05-25. Review status: criteria provided, single submitter. Criteria: ACMG Guidelines, 2015. Collection method: clinical testing. Allele origin: germline. Affected: yes. Observed: 1 variant allele.

Counsyl
Classification: Likely pathogenic for Cholesteryl ester storage disease. Last evaluated: 2017-06-02. Review status: no assertion criteria provided. Collection method: clinical testing. Allele origin: unknown. Not counted in ClinVar's aggregate classification.

OMIM
Classification: Pathogenic for WOLMAN DISEASE. Last evaluated: 2011-12-01. Review status: no assertion criteria provided. Collection method: literature only. Allele origin: germline. Not counted in ClinVar's aggregate classification.

Literature cited by the submitters: PubMed 32432142 (cited by Natera, Inc.); PubMed 21963785 (cited by 5 submitters); PubMed 31180157 (cited by Natera, Inc.); PubMed 23485521 (cited by Labcorp Genetics (formerly Invitae), Labcorp).

NM_000235.4(LIPA):c.482del (p.Asn161fs)

Gene: LIPA (lipase A, lysosomal acid type; minus strand). Cytogenetic location: 10q23.31.
Variant type: Deletion.
Coding change: c.482del on transcript NM_000235.4 (MANE Select); coding-DNA position 482, one base deleted (A; older notation c.482delA).
Protein change: p.Asn161fs; shifts the reading frame from asparagine 161.
Molecular consequence: frameshift variant.
Genome position (GRCh38, 1-based): chr10:89,226,951, T deleted on the plus strand (A on the coding strand, the reverse complement: LIPA is on the minus strand); the first of 2 consecutive T bases (chr10:89,226,951-89,226,952); deleting either gives the same sequence. VCF-style (leftmost placement, unchanged base first): chr10-89226950-AT-A. GRCh37 (hg19) VCF-style: chr10-90986707-AT-A.
Other names: c.482delA (NM_000235.4, NM_000235.3); c.482del, p.Asn161fs (NM_001127605.3); c.134del, p.Asn45fs (NM_001288979.2); short protein forms N161fs, N45fs.
Identifiers: ClinVar variation 552285 (VCV000552285.16), dbSNP rs762559980, ClinGen allele CA5593711.